The following is an entry in ClinVar:

NM_003742.4(ABCB11):c.1308+1G>A

Gene: ABCB11 (ATP binding cassette subfamily B member 11; minus strand). Cytogenetic location: 2q31.1.
Variant type: single nucleotide variant.
Coding change: c.1308+1G>A on transcript NM_003742.4 (MANE Select); the canonical splice donor site of the intron after coding-DNA position 1308, G replaced by A.
Molecular consequence: splice donor variant.
Genome position (GRCh38, 1-based): chr2:168,976,576, C>T on the plus strand (G>A on the coding strand, the complement: ABCB11 is on the minus strand). VCF-style: chr2-168976576-C-T. GRCh37 (hg19) VCF-style: chr2-169833086-C-T.
Identifiers: ClinVar variation 4815258 (VCV004815258.1).

ClinVar aggregate classification (germline): Likely pathogenic (1 of 4 stars; one submission).

Conditions:
Progressive familial intrahepatic cholestasis type 2. Identifiers: Orphanet 79304, MedGen C3489789, MONDO:0011156, OMIM 601847.

Submission:

Natera, Inc.
Classification: Likely pathogenic for Progressive familial intrahepatic cholestasis type 2. Last evaluated: 2024-05-17. Review status: criteria provided, single submitter. Criteria: Natera Variant Classification Schema (03/2026). Collection method: clinical testing. Allele origin: germline.
Comment: The c.1308+1G>A variant in ABCB11 is a canonical splice donor site variant predicted to affect pre-mRNA splicing, which may result in an abnormal transcript and altered protein product. This variant is expected to result in nonsense mediated decay, truncation, or a dysfunctional protein product. This variant is rare in the general population with a frequency below the threshold expected for the associated phenotype(s). Given the available evidence, this variant is classified as Likely Pathogenic.